The following is an entry in ClinVar:

ClinVar aggregate classification (germline): Uncertain significance (1 of 4 stars; one submission).

Conditions:
Hereditary cancer-predisposing syndrome. Also called: Hereditary Cancer Syndrome; Hereditary neoplastic syndrome; Neoplastic Syndromes, Hereditary; Tumor predisposition. Identifiers: Orphanet 140162, MedGen C0027672, MeSH D009386, MONDO:0015356.

Submission:

Ambry Genetics
Classification: Uncertain significance for Hereditary cancer-predisposing syndrome. Last evaluated: 2024-02-08. Review status: criteria provided, single submitter. Criteria: Ambry Variant Classification Scheme 2023. Collection method: clinical testing. Allele origin: germline.
Comment: The c.465G>A variant (also known as p.V155V), located in coding exon 4 of the NBN gene, results from a G to A substitution at nucleotide position 465. This nucleotide substitution does not change the valine at codon 155. This nucleotide position is poorly conserved in available vertebrate species. In silico splice site analysis for this alteration is inconclusive and direct evidence is insufficient at this time (Ambry internal data). Based on the available evidence, the clinical significance of this alteration remains unclear.

NM_002485.5(NBN):c.465G>A (p.Val155=)

Gene: NBN (nibrin; minus strand). Cytogenetic location: 8q21.3.
Variant type: single nucleotide variant.
Coding change: c.465G>A on transcript NM_002485.5 (MANE Select); coding-DNA position 465, G replaced by A.
Protein change: p.Val155=; no amino-acid change (valine 155 retained).
Molecular consequence: synonymous variant.
Genome position (GRCh38, 1-based): chr8:89,980,749, C>T on the plus strand (G>A on the coding strand, the complement: NBN is on the minus strand). VCF-style: chr8-89980749-C-T. GRCh37 (hg19) VCF-style: chr8-90992977-C-T.
Other names: c.219G>A, p.Val73= (NM_001024688.3).
Identifiers: ClinVar variation 1742244 (VCV001742244.2), dbSNP rs2488355433, ClinGen allele CA461831341.